The following is an entry in ClinVar:

ClinVar aggregate classification (germline): Conflicting classifications of pathogenicity. Review status: criteria provided, conflicting classifications (1 of 4 stars). 16 submissions from 16 submitters: Uncertain significance (7); Benign (1); Likely benign (4). 4 of the submissions do not count toward it. Last evaluated 2026-01-18.

Conditions:
Breast neoplasm. Also called: Neoplasm of the breast; Neoplasm of breast; Breast tumor; Breast Neoplasms. Identifiers: MedGen C1458155, MeSH D001943, MONDO:0021100, HP:0100013. Disease mechanism: gain of function.
Breast-ovarian cancer, familial, susceptibility to, 1 (BROVCA1). Also called: BRCA1 Hereditary Breast and Ovarian Cancer; OVARIAN CANCER, SUSCEPTIBILITY TO. Identifiers: Orphanet 145, MedGen C2676676, MONDO:0011450, OMIM 604370. Disease mechanism: loss of function.
Familial cancer of breast. Also called: hereditary breast carcinoma; BREAST CANCER, FAMILIAL; Hereditary breast cancer. Identifiers: Orphanet 227535, MedGen C0346153, MONDO:0016419, OMIM 114480. Disease mechanism: loss of function.
Fanconi anemia, complementation group S (FANCS). Identifiers: MedGen C4554406, MONDO:0054748, OMIM 617883.
Pancreatic cancer, susceptibility to, 4. Identifiers: Orphanet 1333, MedGen C3280442, MONDO:0013685, OMIM 614320.
Hereditary cancer-predisposing syndrome. Also called: Hereditary Cancer Syndrome; Hereditary neoplastic syndrome; Neoplastic Syndromes, Hereditary; Tumor predisposition. Identifiers: Orphanet 140162, MedGen C0027672, MeSH D009386, MONDO:0015356.
BRCA1-related disorder. Also called: BRCA1-related condition.
Hereditary breast ovarian cancer syndrome. Also called: BRCA1- and BRCA2-Associated Hereditary Breast and Ovarian Cancer; Hereditary breast and ovarian cancer syndrome; Hereditary breast and ovarian cancer syndrome (HBOC); Breast and ovarian cancer; Hereditary breast and/or ovarian cancer syndrome; Hereditary breast and ovarian cancer. Identifiers: Orphanet 145, MedGen C0677776, MeSH D061325, MONDO:0003582. Disease mechanism: loss of function.

Allele frequency attached by ClinVar (database versions not stated): gnomAD 0.00003 and 0.00001; gnomAD exomes below 0.00001 and 0.00002; TOPMed 0.00001; ExAC 0.00003; 1000 Genomes Project 30x 0.00031; 1000 Genomes Project 0.00040.
gnomAD v4.1: 9 of 1,611,696 alleles (0.00056%); highest among the groups gnomAD compares: East Asian, 0.018%; no homozygotes.

Submissions 1 to 10 of 16:

Labcorp Genetics (formerly Invitae), Labcorp
Classification: Likely benign for Hereditary breast ovarian cancer syndrome. Last evaluated: 2026-01-18. Review status: criteria provided, single submitter. Criteria: Invitae Variant Classification Sherloc (09022015). Collection method: clinical testing. Allele origin: germline.

Women's Health and Genetics/Laboratory Corporation of America, LabCorp
Classification: Uncertain significance. Last evaluated: 2025-11-11. Review status: criteria provided, single submitter. Criteria: LabCorp Variant Classification Summary - May 2015. Collection method: clinical testing. Allele origin: germline.
Comment: Variant summary: BRCA1 c.4166G>A (p.Ser1389Asn) results in a conservative amino acid change in the encoded protein sequence. Algorithms developed to predict the effect of missense changes on protein structure and function are either unavailable or do not agree on the potential impact of this missense change. The variant allele was found at a frequency of 2e-05 in 251898 control chromosomes. The available data on variant occurrences in the general population are insufficient to allow any conclusion about variant significance. c.4166G>A has been reported in the literature in individuals affected with breast cancer, ovarian cancer, prostate cancer and colorectal cancer without strong evidence for causality (examples-Haitian_2008, Hansen_2011, Ahmad_2012, Akmal_2009, Zhong_2016, Li_2018, Toh_2018, Tang_2022, Zhang_2022). To our knowledge, no experimental evidence demonstrating an impact on protein function has been reported. The following publications have been ascertained in the context of this evaluation (PMID: 20981092, 23064986, 30702160, 31825140, 18835712, 21318380, 27157322, 30078507, 26332594, 31360874, 27257965, 35734583, 35918668). ClinVar contains an entry for this variant (Variation ID: 55119). Based on the evidence outlined above, the variant was classified as uncertain significance.

PreventionGenetics, part of Exact Sciences
Classification: Uncertain significance for BRCA1-related condition. Last evaluated: 2025-05-03. Review status: criteria provided, single submitter. Criteria: ACMG Guidelines, 2015. Collection method: clinical testing. Allele origin: germline.
Comment: The BRCA1 c.4166G>A variant is predicted to result in the amino acid substitution p.Ser1389Asn. This variant has been reported in individuals with breast and/or ovarian and colorectal cancers (Hansen et al. 2011. PubMed ID: 21318380; Ahmad et al. 2012. PubMed ID: 22486713; Table S2, Zhong et al. 2016. PubMed ID: 27257965; Supplemental Table S2, Li et al. 2018. PubMed ID: 30078507; Supplemental Results, Toh et al. 2018. PubMed ID: 31360874). This variant is reported in 0.022% of alleles in individuals of East Asian descent in gnomAD and has conflicting interpretations in ClinVar ranging from uncertain significance to benign. Although we suspect that this variant may be benign, at this time, the clinical significance of this variant is uncertain due to the absence of conclusive functional and genetic evidence.

Fulgent Genetics
Classification: Likely benign for Breast-ovarian cancer, familial, susceptibility to, 1; Pancreatic cancer, susceptibility to, 4; Fanconi anemia, complementation group S. Last evaluated: 2024-05-31. Review status: criteria provided, single submitter. Criteria: ACMG Guidelines, 2015. Collection method: clinical testing. Allele origin: germline.

Ambry Genetics
Classification: Uncertain significance for Hereditary cancer-predisposing syndrome. Last evaluated: 2024-04-17. Review status: criteria provided, single submitter. Criteria: Ambry Variant Classification Scheme 2023. Collection method: clinical testing. Allele origin: germline.
Comment: The p.S1389N variant (also known as c.4166G>A), located in coding exon 10 of the BRCA1 gene, results from a G to A substitution at nucleotide position 4166. The serine at codon 1389 is replaced by asparagine, an amino acid with highly similar properties. This variant has been reported in multiple individuals of Asian descent diagnosed with breast or prostate cancer (Haitian Z et al. Breast. 2008 Dec;17:563-7; Hansen TV et al. Fam. Cancer. 2011 Jun;10:207-12; Ahmad J et al. Clin. Genet. 2012 Dec;82:594-8; Zhong X et al. PLoS ONE. 2016 Jun;11:e0156789; Zhang Y et al. BMC Cancer, 2022 Aug;22:842; Tang T et al. Front Oncol, 2022 Jun;12:826778). This amino acid position is well conserved in available vertebrate species. In addition, the in silico prediction for this alteration is inconclusive. Based on the available evidence, the clinical significance of this variant remains unclear.

Quest Diagnostics Nichols Institute San Juan Capistrano
Classification: Uncertain significance. Last evaluated: 2023-10-20. Review status: criteria provided, single submitter. Criteria: Quest Diagnostics criteria. Collection method: clinical testing. Allele origin: unknown.
Comment: The BRCA1 c.4166G>A (p.Ser1389Asn) variant has been reported in the published literature in individuals with breast cancer (PMID: 27257965 (2016), 22486713 (2012), 21318380 (2011), 18835712 (2008)), breast and ovarian cancer (PMID: 30702160 (2019)), and colorectal cancer (PMID: 31360874 (2018)). The frequency of this variant in the general population, 0.00022 (4/18324 chromosomes in East Asian subpopulation (Genome Aggregation Database)), is higher than would generally be expected for pathogenic variants in this gene. Analysis of this variant using bioinformatics tools for the prediction of the effect of amino acid changes on protein structure and function yielded conflicting predictions that this variant is benign or damaging. Based on the available information, we are unable to determine the clinical significance of this variant.

Sema4
Classification: Uncertain significance for Hereditary cancer-predisposing syndrome. Last evaluated: 2022-02-14. Review status: criteria provided, single submitter. Criteria: Sema4 Curation Guidelines. Collection method: curation. Allele origin: germline.
Comment: The BRCA1 c.4166G>A (p.S1389N) variant has been reported in heterozygosity in individuals with breast, ovarian, and colorectal cancer, but has also been reported in more than 25 healthy controls (PMID: 18835712, 21318380, 22486713, 27257965, 33471991, 30078507, 31360874, 32467295, 32817299, 27157322). It was observed in 4/18324 chromosomes of the East Asian subpopulation in the large and broad cohorts of the Genome Aggregation Database (PMID: 32461654). The variant has been reported in ClinVar (Variation ID 55119). Functional studies have not been performed, and in silico predictions of the variant's effect on protein function are inconclusive. The evidence is insufficient to meet ACMG/AMP criteria for classifying the variant as benign or pathogenic. Thus, the clinical significance of this variant is currently uncertain.

Department of Pathology and Laboratory Medicine, Sinai Health System
Classification: Uncertain significance for Familial cancer of breast; Breast-ovarian cancer, familial, susceptibility to, 1; Fanconi anemia, complementation group S. Last evaluated: 2021-08-16. Review status: criteria provided, single submitter. Criteria: ACMG Guidelines, 2015. Collection method: clinical testing. Allele origin: germline. Affected: yes.

Mendelics
Classification: Benign for Breast-ovarian cancer, familial, susceptibility to, 1. Last evaluated: 2019-05-28. Review status: criteria provided, single submitter. Criteria: Mendelics Assertion Criteria 2017. Collection method: clinical testing. Allele origin: unknown.

Color Diagnostics, LLC DBA Color Health
Classification: Likely benign for Hereditary cancer-predisposing syndrome. Last evaluated: 2017-11-06. Review status: criteria provided, single submitter. Criteria: ACMG Guidelines, 2015. Collection method: clinical testing. Allele origin: germline.

NM_007294.4(BRCA1):c.4166G>A (p.Ser1389Asn)

Gene: BRCA1 (BRCA1 DNA repair associated; minus strand). Cytogenetic location: 17q21.31.
Variant type: single nucleotide variant.
Coding change: c.4166G>A on transcript NM_007294.4 (MANE Select); coding-DNA position 4166, G replaced by A.
Protein change: p.Ser1389Asn; replaces serine 1389 with asparagine.
Molecular consequence: missense variant. On other transcripts: non-coding transcript variant (1).
Genome position (GRCh38, 1-based): chr17:43,090,963, C>T on the plus strand (G>A on the coding strand, the complement: BRCA1 is on the minus strand). VCF-style: chr17-43090963-C-T. GRCh37 (hg19) VCF-style: chr17-41242980-C-T.
Other names: p.S1389N:AGT>AAT; 4285G>A; c.4040G>A, p.Ser1347Asn (NM_001407671.1, NM_001407672.1, NM_001407673.1 and 11 more transcripts); c.4043G>A, p.Ser1348Asn (NM_001407674.1, NM_001407675.1, NM_001407676.1 and 19 more transcripts); c.4163G>A, p.Ser1388Asn (NM_001407611.1, NM_001407612.1, NM_001407613.1 and 22 more transcripts); c.4166G>A, p.Ser1389Asn (NM_001407616.1, NM_001407617.1, NM_001407618.1 and 30 more transcripts); c.4088G>A, p.Ser1363Asn (NM_001407653.1, NM_001407654.1, NM_001407655.1 and 4 more transcripts); c.4085G>A, p.Ser1362Asn (NM_001407659.1, NM_001407660.1, NM_001407661.1 and 1 more transcripts); and 43 more; short protein forms S1389N, S1342N, S286N, S1300N, S1363N, S1388N, S174N, S177N.
Identifiers: ClinVar variation 55119 (VCV000055119.28), dbSNP rs78951648, ClinGen allele CA002665.